The following is an entry in ClinVar:

NM_021147.5(CCNO):c.427dup (p.Val143fs)

Gene: CCNO (cyclin O; minus strand). Cytogenetic location: 5q11.2.
Variant type: Duplication.
Coding change: c.427dup on transcript NM_021147.5 (MANE Select); coding-DNA position 427, one base duplicated (G; older notation c.427dupG).
Protein change: p.Val143fs; shifts the reading frame from valine 143.
Molecular consequence: frameshift variant. On other transcripts: non-coding transcript variant (3).
Genome position (GRCh38, 1-based): chr5:55,232,501, C duplicated on the plus strand (G on the coding strand, the reverse complement: CCNO is on the minus strand); the first of 2 consecutive C bases (chr5:55,232,501-55,232,502); duplicating either gives the same sequence. VCF-style (leftmost placement, unchanged base first): chr5-55232500-A-AC. GRCh37 (hg19) VCF-style: chr5-54528328-A-AC.
Other names: short protein forms V143fs.
Identifiers: ClinVar variation 951909 (VCV000951909.11), dbSNP rs1436895387, ClinGen allele CA559343649.

ClinVar aggregate classification (germline): Pathogenic/Likely pathogenic. Review status: criteria provided, multiple submitters, no conflicts (2 of 4 stars). 2 submissions from 2 submitters: Pathogenic (1); Likely pathogenic (1). Last evaluated 2024-03-14.

Conditions:
Primary ciliary dyskinesia. Also called: Ciliary dyskinesia. Identifiers: Orphanet 244, MedGen C0008780, MONDO:0016575, HP:0012265.
Primary ciliary dyskinesia 29. Also called: CILIARY DYSKINESIA, PRIMARY, 29, WITHOUT SITUS INVERSUS. Identifiers: Orphanet 244, MedGen C4014534, MONDO:0014378, OMIM 615872.

Submissions (2):

Fulgent Genetics
Classification: Likely pathogenic for Primary ciliary dyskinesia 29. Last evaluated: 2024-03-14. Review status: criteria provided, single submitter. Criteria: ACMG Guidelines, 2015. Collection method: clinical testing. Allele origin: germline.

Labcorp Genetics (formerly Invitae), Labcorp
Classification: Pathogenic for Primary ciliary dyskinesia. Last evaluated: 2022-11-01. Review status: criteria provided, single submitter. Criteria: Invitae Variant Classification Sherloc (09022015). Collection method: clinical testing. Allele origin: germline.
Comment: This sequence change creates a premature translational stop signal (p.Val143Glyfs*92) in the CCNO gene. While this is not anticipated to result in nonsense mediated decay, it is expected to disrupt the last 208 amino acid(s) of the CCNO protein. This variant is present in population databases (no rsID available, gnomAD 0.01%). This variant has not been reported in the literature in individuals affected with CCNO-related conditions. ClinVar contains an entry for this variant (Variation ID: 951909). This variant disrupts a region of the CCNO protein in which other variant(s) (p.Gln321*) have been determined to be pathogenic (PMID: 24747639, 26139845). This suggests that this is a clinically significant region of the protein, and that variants that disrupt it are likely to be disease-causing. For these reasons, this variant has been classified as Pathogenic.

Literature cited by the submitters: PubMed 24747639 (cited by Labcorp Genetics (formerly Invitae), Labcorp); PubMed 26139845 (cited by Labcorp Genetics (formerly Invitae), Labcorp).